The following is an entry in ClinVar:

NM_018662.3(DISC1):c.1356C>T (p.Ile452=)

Genes: DISC1 (DISC1 scaffold protein; plus strand), TSNAX-DISC1 (TSNAX-DISC1 readthrough (NMD candidate); plus strand). Cytogenetic location: 1q42.2.
Variant type: single nucleotide variant.
Coding change: c.1356C>T on transcript NM_018662.3 (MANE Select); coding-DNA position 1356, C replaced by T.
Protein change: p.Ile452=; no amino-acid change (isoleucine 452 retained).
Molecular consequence: synonymous variant. On other transcripts: non-coding transcript variant (6), intron variant (1).
Genome position (GRCh38, 1-based): chr1:231,767,227, C>T. VCF-style: chr1-231767227-C-T. GRCh37 (hg19) VCF-style: chr1-231902973-C-T.
Other names: c.1356C>T, p.Ile452= (NM_001012957.2, NM_001012959.2, NM_001164538.2 and 9 more transcripts); c.1452C>T, p.Ile484= (NM_001164537.2); c.306C>T, p.Ile102= (NM_001164556.2); c.1268+17151C>T (NM_001164540.2).
Identifiers: ClinVar variation 784975 (VCV000784975.6), dbSNP rs34268403, ClinGen allele CA1453887.

ClinVar aggregate classification (germline): Benign. Review status: criteria provided, single submitter (1 of 4 stars). 2 submissions from 2 submitters: Benign (1). 1 of the submissions does not count toward it. Last evaluated 2019-12-31.

Conditions:
DISC1-related disorder. Also called: DISC1-related condition.

Allele frequency attached by ClinVar (database versions not stated): gnomAD exomes 0.00024 and 0.00060; ExAC 0.00072; 1000 Genomes Project 0.00200; ESP Exome Variant Server 0.00246; 1000 Genomes Project 30x 0.00250; gnomAD 0.00277 and 0.00305; TOPMed 0.00316.
gnomAD v4.1: 785 of 1,614,184 alleles (0.049%); highest among the groups gnomAD compares: African/African-American, 0.95%; 3 homozygotes.

Submissions (2):

Labcorp Genetics (formerly Invitae), Labcorp
Classification: Benign. Last evaluated: 2019-12-31. Review status: criteria provided, single submitter. Criteria: Invitae Variant Classification Sherloc (09022015). Collection method: clinical testing. Allele origin: germline.

PreventionGenetics, part of Exact Sciences
Classification: Likely benign for DISC1-related condition. Last evaluated: 2024-02-07. Review status: no assertion criteria provided. Collection method: clinical testing. Allele origin: germline. Not counted in ClinVar's aggregate classification.
Comment: This variant is classified as likely benign based on ACMG/AMP sequence variant interpretation guidelines (Richards et al. 2015 PMID: 25741868, with internal and published modifications).